The following is an entry in ClinVar:

ClinVar aggregate classification (germline): Benign/Likely benign. Review status: criteria provided, multiple submitters, no conflicts (2 of 4 stars). 3 submissions from 3 submitters: Benign (2); Likely benign (1). Last evaluated 2021-05-12.

Conditions:
Ceroid lipofuscinosis, neuronal, 4 (Kufs type) (CLN4). Also called: Neuronal ceroid lipofuscinosis 4B; Ceroid lipofuscinosis, neuronal, 4, Parry type. Identifiers: Orphanet 228343, Orphanet 79262, MedGen C1834207, MONDO:0008083, OMIM 162350.

Allele frequency attached by ClinVar (database versions not stated): 1000 Genomes Project 0.02855; 1000 Genomes Project 30x 0.02920; TOPMed 0.04646; gnomAD 0.05973 and 0.06117; gnomAD exomes 0.10256.
gnomAD v4.1: 9,099 of 152,458 alleles (6%); highest among the groups gnomAD compares: Non-Finnish European, 7.9%; 454 homozygotes.

Submissions (3):

GeneDx
Classification: Benign. Last evaluated: 2021-05-12. Review status: criteria provided, single submitter. Criteria: GeneDx Variant Classification Process June 2021. Collection method: clinical testing. Allele origin: germline. Affected: yes.

Illumina Laboratory Services, Illumina
Classification: Benign for Ceroid lipofuscinosis, neuronal, 4 (Kufs type). Last evaluated: 2018-01-13. Review status: criteria provided, single submitter. Criteria: ICSL Variant Classification Criteria 13 December 2019. Collection method: clinical testing. Allele origin: germline.
Comment: This variant was observed in the ICSL laboratory as part of a predisposition screen in an ostensibly healthy population. It had not been previously curated by ICSL or reported in the Human Gene Mutation Database (HGMD: prior to June 1st, 2018), and was therefore a candidate for classification through an automated scoring system. Utilizing variant allele frequency, disease prevalence and penetrance estimates, and inheritance mode, an automated score was calculated to assess if this variant is too frequent to cause the disease. Based on the score and internal cut-off values, a variant classified as benign is not then subjected to further curation. The score for this variant resulted in a classification of benign for this disease.

Breakthrough Genomics
Classification: Likely benign. Review status: criteria provided, single submitter. Criteria: ACMG Guidelines, 2015. Collection method: not provided. Allele origin: germline. Inheritance: Autosomal dominant inheritance. Affected: yes.

NM_025219.3(DNAJC5):c.*2208C>T

Gene: DNAJC5 (DnaJ heat shock protein family (Hsp40) member C5; plus strand). Cytogenetic location: 20q13.33.
Variant type: single nucleotide variant.
Coding change: c.*2208C>T on transcript NM_025219.3 (MANE Select); 2208 bases downstream of the stop codon, C replaced by T.
Molecular consequence: 3 prime UTR variant.
Genome position (GRCh38, 1-based): chr20:63,933,776, C>T. VCF-style: chr20-63933776-C-T. GRCh37 (hg19) VCF-style: chr20-62565129-C-T.
Identifiers: ClinVar variation 339404 (VCV000339404.9), dbSNP rs11554631, ClinGen allele CA10644406.